The following is an entry in ClinVar:

NM_201384.3(PLEC):c.11017C>T (p.Leu3673Phe)

Gene: PLEC (plectin; minus strand). Cytogenetic location: 8q24.3.
Variant type: single nucleotide variant.
Coding change: c.11017C>T on transcript NM_201384.3 (MANE Select); coding-DNA position 11017, C replaced by T.
Protein change: p.Leu3673Phe; replaces leucine 3673 with phenylalanine.
Molecular consequence: missense variant.
Genome position (GRCh38, 1-based): chr8:143,918,804, G>A on the plus strand (C>T on the coding strand, the complement: PLEC is on the minus strand). VCF-style: chr8-143918804-G-A. GRCh37 (hg19) VCF-style: chr8-144992972-G-A.
Other names: c.11098C>T, p.Leu3700Phe (NM_000445.5); c.7717C>T, p.Leu2573Phe (NM_001410941.1); c.10975C>T, p.Leu3659Phe (NM_201378.4); c.10951C>T, p.Leu3651Phe (NM_201379.3); c.11428C>T, p.Leu3810Phe (NM_201380.4); c.10921C>T, p.Leu3641Phe (NM_201381.3); c.11017C>T, p.Leu3673Phe (NM_201382.4); c.11029C>T, p.Leu3677Phe (NM_201383.3); short protein forms L2573F, L3641F, L3651F, L3659F, L3673F, L3677F, L3700F, L3810F.
Identifiers: ClinVar variation 3762525 (VCV003762525.2).
Genomic context (GRCh38, chr8:143,918,804, plus strand): 5'-CCACGGAGCCCGTGCCATAGAGGTAGCACCAGGCGGACTCCGCCTCGAGAGCCTCACGGA[G>A]GCTCCTGGTGCCCTCCCGGAGCAGGTTGTAGGTCTCGAGAGAGATGATCCGAGCCTCGAA-3'
Protein context (NP_958786.1, residues 3663-3683): YNLLREGTRS[Leu3673Phe]REALEAESAW

ClinVar aggregate classification (germline): Uncertain significance (1 of 4 stars; one submission).

Conditions:
Epidermolysis bullosa simplex with nail dystrophy (EBS5D). Identifiers: MedGen C4225309, MONDO:0014661, OMIM 616487.
Epidermolysis bullosa simplex, Ogna type (EBS5A). Also called: EPIDERMOLYSIS BULLOSA SIMPLEX 5A, OGNA TYPE; Pidermolysis bullosa simplex 5A, Ogna type. Identifiers: Orphanet 79401, MedGen C0432317, MONDO:0007555, OMIM 131950.
Autosomal recessive limb-girdle muscular dystrophy type 2Q (LGMDR17). Also called: MUSCULAR DYSTROPHY, LIMB-GIRDLE, AUTOSOMAL RECESSIVE 17. Identifiers: Orphanet 254361, MedGen C3150989, MONDO:0013390, OMIM 613723.
Epidermolysis bullosa simplex 5B, with muscular dystrophy (EBS5B). Also called: EPIDERMOLYSIS BULLOSA SIMPLEX AND LIMB-GIRDLE MUSCULAR DYSTROPHY; Epidermolysis bullosa simplex with muscular dystrophy. Identifiers: Orphanet 257, MedGen C2931072, MONDO:0009181, OMIM 226670.
Epidermolysis bullosa simplex 5C, with pyloric atresia (EBS5C). Also called: PLEC1-Related Epidermolysis Bullosa with Pyloric Atresia; PLEC-Related Epidermolysis Bullosa with Pyloric Atresia; Epidermolysis bullosa simplex with pyloric atresia. Identifiers: Orphanet 158684, MedGen C2677349, MONDO:0012807, OMIM 612138.

gnomAD v4.1: 12 of 1,613,192 alleles (0.00074%); highest among the groups gnomAD compares: Non-Finnish European, 0.00076%; no homozygotes.

Submission:

Labcorp Genetics (formerly Invitae), Labcorp
Classification: Uncertain significance for Autosomal recessive limb-girdle muscular dystrophy type 2Q; Epidermolysis bullosa simplex, Ogna type; Epidermolysis bullosa simplex with nail dystrophy; Epidermolysis bullosa simplex 5C, with pyloric atresia; Epidermolysis bullosa simplex 5B, with muscular dystrophy. Last evaluated: 2026-02-03. Review status: criteria provided, single submitter. Criteria: Invitae Variant Classification Sherloc (09022015). Collection method: clinical testing. Allele origin: germline.
Comment: This sequence change replaces leucine, which is neutral and non-polar, with phenylalanine, which is neutral and non-polar, at codon 3700 of the PLEC protein (p.Leu3700Phe). This variant is present in population databases (no rsID available, gnomAD 0.0009%). This variant has not been reported in the literature in individuals affected with PLEC-related conditions. ClinVar contains an entry for this variant (Variation ID: 3762525). An algorithm developed to predict the effect of missense changes on protein structure and function (PolyPhen-2) suggests that this variant is likely to be tolerated. In summary, the available evidence is currently insufficient to determine the role of this variant in disease. Therefore, it has been classified as a Variant of Uncertain Significance.